The following is an entry in ClinVar:

ClinVar aggregate classification (germline): Uncertain significance. Review status: criteria provided, multiple submitters, no conflicts (2 of 4 stars). 2 submissions from 2 submitters: Uncertain significance (2). Last evaluated 2025-03-18.

Conditions:
Inborn genetic diseases. Identifiers: MedGen C0950123, MeSH D030342.

Allele frequency attached by ClinVar (database versions not stated): ExAC 0.00013; gnomAD 0.00027 and 0.00029; 1000 Genomes Project 30x 0.00031; 1000 Genomes Project 0.00040; TOPMed 0.00051.
gnomAD v4.1: 162 of 1,614,076 alleles (0.01%); highest among the groups gnomAD compares: Admixed American, 0.067%; no homozygotes.

Submissions (2):

Ambry Genetics
Classification: Uncertain significance for Inborn genetic diseases. Last evaluated: 2025-03-18. Review status: criteria provided, single submitter. Criteria: Ambry Variant Classification Scheme 2023. Collection method: clinical testing. Allele origin: germline.

Labcorp Genetics (formerly Invitae), Labcorp
Classification: Uncertain significance. Last evaluated: 2022-09-19. Review status: criteria provided, single submitter. Criteria: Invitae Variant Classification Sherloc (09022015). Collection method: clinical testing. Allele origin: germline.
Comment: This sequence change replaces glutamic acid, which is acidic and polar, with aspartic acid, which is acidic and polar, at codon 1119 of the TTC37 protein (p.Glu1119Asp). This variant is present in population databases (rs192855349, gnomAD 0.03%). This variant has not been reported in the literature in individuals affected with TTC37-related conditions. ClinVar contains an entry for this variant (Variation ID: 1003463). Algorithms developed to predict the effect of missense changes on protein structure and function are either unavailable or do not agree on the potential impact of this missense change (SIFT: "Deleterious"; PolyPhen-2: "Benign"; Align-GVGD: "Class C0"). In summary, the available evidence is currently insufficient to determine the role of this variant in disease. Therefore, it has been classified as a Variant of Uncertain Significance.

NM_014639.4(SKIC3):c.3357A>T (p.Glu1119Asp)

Gene: SKIC3 (SKI3 subunit of superkiller complex; minus strand). Cytogenetic location: 5q15.
Variant type: single nucleotide variant.
Coding change: c.3357A>T on transcript NM_014639.4 (MANE Select); coding-DNA position 3357, A replaced by T.
Protein change: p.Glu1119Asp; replaces glutamic acid 1119 with aspartic acid.
Molecular consequence: missense variant.
Genome position (GRCh38, 1-based): chr5:95,498,576, T>A on the plus strand (A>T on the coding strand, the complement: SKIC3 is on the minus strand). VCF-style: chr5-95498576-T-A. GRCh37 (hg19) VCF-style: chr5-94834280-T-A.
Other names: c.3357A>T (NM_014639.3); short protein forms E1119D.
Identifiers: ClinVar variation 1003463 (VCV001003463.8), dbSNP rs192855349, ClinGen allele CA3346738.